The following is an entry in ClinVar:

ClinVar aggregate classification (germline): Uncertain significance (1 of 4 stars; one submission).

gnomAD v4.1: 2 of 1,612,794 alleles (0.00012%); highest among the groups gnomAD compares: Non-Finnish European, 0.00017%; no homozygotes.

Submission:

CeGaT Center for Human Genetics Tuebingen
Classification: Uncertain significance. Last evaluated: 2025-05-01. Review status: criteria provided, single submitter. Criteria: CeGaT Center For Human Genetics Tuebingen Variant Classification Criteria Version 2. Collection method: clinical testing. Allele origin: germline. Affected: yes. Observed: 1 variant allele.
Comment: TNXB: PM2

NM_001365276.2(TNXB):c.6311C>T (p.Thr2104Ile)

Gene: TNXB (tenascin XB; minus strand). Cytogenetic location: 6p21.33.
Variant type: single nucleotide variant.
Coding change: c.6311C>T on transcript NM_001365276.2 (MANE Select); coding-DNA position 6311, C replaced by T.
Protein change: p.Thr2104Ile; replaces threonine 2104 with isoleucine.
Molecular consequence: missense variant.
Genome position (GRCh38, 1-based): chr6:32,067,894, G>A on the plus strand (C>T on the coding strand, the complement: TNXB is on the minus strand). VCF-style: chr6-32067894-G-A. GRCh37 (hg19) VCF-style: chr6-32035671-G-A.
Other names: c.7052C>T, p.Thr2351Ile (NM_001428335.1); c.6311C>T, p.Thr2104Ile (NM_019105.8); short protein forms T2104I, T2351I.
Identifiers: ClinVar variation 3905878 (VCV003905878.10).